The following is an entry in ClinVar:

ClinVar aggregate classification (germline): Uncertain significance (1 of 4 stars; one submission).

Conditions:
Inborn genetic diseases. Identifiers: MedGen C0950123, MeSH D030342.

gnomAD v4.1: 3 of 1,613,792 alleles (0.00019%); highest among the groups gnomAD compares: Non-Finnish European, 0.00017%; no homozygotes.

Submission:

Ambry Genetics
Classification: Uncertain significance for Inborn genetic diseases. Last evaluated: 2025-05-31. Review status: criteria provided, single submitter. Criteria: Ambry Variant Classification Scheme 2023. Collection method: clinical testing. Allele origin: germline.
Comment: The p.S83Y variant (also known as c.248C>A), located in coding exon 3 of the FANCA gene, results from a C to A substitution at nucleotide position 248. The serine at codon 83 is replaced by tyrosine, an amino acid with dissimilar properties. This amino acid position is conserved. In addition, this alteration is predicted to be tolerated by in silico analysis. Based on the available evidence, the clinical significance of this variant remains unclear.

NM_000135.4(FANCA):c.248C>A (p.Ser83Tyr)

Gene: FANCA (FA complementation group A; minus strand). Cytogenetic location: 16q24.3.
Variant type: single nucleotide variant.
Coding change: c.248C>A on transcript NM_000135.4 (MANE Select); coding-DNA position 248, C replaced by A.
Protein change: p.Ser83Tyr; replaces serine 83 with tyrosine.
Molecular consequence: missense variant.
Genome position (GRCh38, 1-based): chr16:89,814,555, G>T on the plus strand (C>A on the coding strand, the complement: FANCA is on the minus strand). VCF-style: chr16-89814555-G-T. GRCh37 (hg19) VCF-style: chr16-89880963-G-T.
Other names: c.248C>A, p.Ser83Tyr (NM_001018112.3, NM_001286167.3, NM_001351830.2); short protein forms S83Y.
Identifiers: ClinVar variation 4022336 (VCV004022336.1).